The following is an entry in ClinVar:

ClinVar aggregate classification (germline): Uncertain significance (1 of 4 stars; one submission).

Conditions:
Inborn genetic diseases. Identifiers: MedGen C0950123, MeSH D030342.

Allele frequency attached by ClinVar (database versions not stated): gnomAD exomes below 0.00001; gnomAD 0.00001; TOPMed 0.00001.
gnomAD v4.1: 5 of 1,578,150 alleles (0.00032%); highest among the groups gnomAD compares: African/African-American, 0.0069%; no homozygotes.

Submission:

Ambry Genetics
Classification: Uncertain significance for Inborn genetic diseases. Last evaluated: 2021-06-03. Review status: criteria provided, single submitter. Criteria: Ambry Variant Classification Scheme 2023. Collection method: clinical testing. Allele origin: germline.
Comment: The c.3983+4T>C intronic alteration consists of a T to C substitution 4 nucleotides after exon 22 of the EPG5 gene. Based on insufficient or conflicting evidence, the clinical significance of this alteration remains unclear.

NM_020964.3(EPG5):c.3983+4T>C

Gene: EPG5 (ectopic P-granules 5 autophagy tethering factor; minus strand). Cytogenetic location: 18q21.1.
Variant type: single nucleotide variant.
Coding change: c.3983+4T>C on transcript NM_020964.3 (MANE Select); 4 bases into the intron after coding-DNA position 3983, T replaced by C.
Molecular consequence: intron variant.
Genome position (GRCh38, 1-based): chr18:45,912,286, A>G on the plus strand (T>C on the coding strand, the complement: EPG5 is on the minus strand). VCF-style: chr18-45912286-A-G. GRCh37 (hg19) VCF-style: chr18-43492251-A-G.
Identifiers: ClinVar variation 2231153 (VCV002231153.2), dbSNP rs921048361, ClinGen allele CA299761661.